The following is an entry in ClinVar:

ClinVar aggregate classification (germline): Uncertain significance. Review status: criteria provided, multiple submitters, no conflicts (2 of 4 stars). 2 submissions from 2 submitters: Uncertain significance (2). Last evaluated 2025-07-22.

Conditions:
Cardiomyopathy (CMYO). Also called: Cardiomyopathies. Identifiers: Orphanet 167848, MedGen C0878544, MONDO:0004994, HP:0001638. Inheritance: Various modes of inheritance.
Cardiovascular phenotype. Identifiers: MedGen CN230736.

Allele frequency attached by ClinVar (database versions not stated): gnomAD exomes below 0.00001; TOPMed below 0.00001; ExAC 0.00001; gnomAD 0.00001.
gnomAD v4.1: 6 of 1,614,042 alleles (0.00037%); highest among the groups gnomAD compares: Non-Finnish European, 0.00051%; no homozygotes.

Submissions (2):

Color Diagnostics, LLC DBA Color Health
Classification: Uncertain significance for Cardiomyopathy. Last evaluated: 2025-07-22. Review status: criteria provided, single submitter. Criteria: ACMG Guidelines, 2015. Collection method: clinical testing. Allele origin: germline.
Comment: This missense variant replaces alanine with valine at codon 705 of the PKP2 protein. Computational prediction suggests that this variant may not impact protein structure and function. To our knowledge, functional studies have not been reported for this variant. This variant has been reported in an individual affected with cardiomyopathy (PMID: 37477868). This variant has been identified in 1/251424 chromosomes in the general population by the Genome Aggregation Database (gnomAD). The available evidence is insufficient to determine the role of this variant in disease conclusively. Therefore, this variant is classified as a Variant of Uncertain Significance.

Ambry Genetics
Classification: Uncertain significance for Cardiovascular phenotype. Last evaluated: 2024-04-08. Review status: criteria provided, single submitter. Criteria: Ambry Variant Classification Scheme 2023. Collection method: clinical testing. Allele origin: germline.
Comment: The p.A705V variant (also known as c.2114C>T), located in coding exon 10 of the PKP2 gene, results from a C to T substitution at nucleotide position 2114. The alanine at codon 705 is replaced by valine, an amino acid with similar properties. This alteration has been reported in a cardiomyopathy cohort; however, clinical details were limited (Akinrinade O et al. J Cardiovasc Transl Res, 2023 Dec;16:1287-1302). This amino acid position is highly conserved in available vertebrate species. In addition, the in silico prediction for this alteration is inconclusive. Based on the available evidence, the clinical significance of this variant remains unclear.

Literature cited by the submitters: PubMed 37477868 (cited by Color Diagnostics, LLC DBA Color Health and Ambry Genetics).

NM_001005242.3(PKP2):c.1982C>T (p.Ala661Val)

Gene: PKP2 (plakophilin 2; minus strand). Cytogenetic location: 12p11.21.
Variant type: single nucleotide variant.
Coding change: c.1982C>T on transcript NM_001005242.3 (MANE Select); coding-DNA position 1982, C replaced by T.
Protein change: p.Ala661Val; replaces alanine 661 with valine.
Molecular consequence: missense variant.
Genome position (GRCh38, 1-based): chr12:32,821,387, G>A on the plus strand (C>T on the coding strand, the complement: PKP2 is on the minus strand). VCF-style: chr12-32821387-G-A. GRCh37 (hg19) VCF-style: chr12-32974321-G-A.
Other names: c.1982C>T, p.Ala661Val (NM_001407155.1, NM_001407161.1); c.1817C>T, p.Ala606Val (NM_001407156.1); c.2114C>T, p.Ala705Val (NM_001407157.1, NM_004572.4); c.1655C>T, p.Ala552Val (NM_001407158.1, NM_001407159.1, NM_001407160.1 and 1 more transcripts); short protein forms A606V, A705V, A661V, A552V.
Identifiers: ClinVar variation 1786154 (VCV001786154.4), dbSNP rs753335349, ClinGen allele CA032785.